The following is an entry in ClinVar:

NM_000256.3(MYBPC3):c.1759G>A (p.Asp587Asn)

Gene: MYBPC3 (myosin binding protein C3; minus strand). Cytogenetic location: 11p11.2.
Variant type: single nucleotide variant.
Coding change: c.1759G>A on transcript NM_000256.3 (MANE Select); coding-DNA position 1759, G replaced by A.
Protein change: p.Asp587Asn; replaces aspartic acid 587 with asparagine.
Molecular consequence: missense variant.
Genome position (GRCh38, 1-based): chr11:47,342,022, C>T on the plus strand (G>A on the coding strand, the complement: MYBPC3 is on the minus strand). VCF-style: chr11-47342022-C-T. GRCh37 (hg19) VCF-style: chr11-47363573-C-T.
Other names: p.D587N:GAC>AAC; c.1759G>A, p.Asp587Asn (LRG_386t1); short protein forms D587N.
Identifiers: ClinVar variation 180917 (VCV000180917.15), dbSNP rs730880526, ClinGen allele CA011034.

ClinVar aggregate classification (germline): Conflicting classifications of pathogenicity. Review status: criteria provided, conflicting classifications (1 of 4 stars). 5 submissions from 5 submitters: Uncertain significance (2); Likely benign (3). Last evaluated 2025-11-12.

Conditions:
Cardiovascular phenotype. Identifiers: MedGen CN230736.
Cardiomyopathy (CMYO). Also called: Cardiomyopathies. Identifiers: Orphanet 167848, MedGen C0878544, MONDO:0004994, HP:0001638. Inheritance: Various modes of inheritance.
Hypertrophic cardiomyopathy. Also called: HYPERTROPHIC MYOCARDIOPATHY. Identifiers: Orphanet 217569, MedGen C0007194, MeSH D002312, MONDO:0005045, HP:0001639.

Allele frequency attached by ClinVar (database versions not stated): ExAC below 0.00001; gnomAD exomes below 0.00001; gnomAD 0.00001; TOPMed 0.00001.
gnomAD v4.1: 7 of 1,590,594 alleles (0.00044%); highest among the groups gnomAD compares: East Asian, 0.0023%; no homozygotes.

Submissions (5):

Labcorp Genetics (formerly Invitae), Labcorp
Classification: Uncertain significance for Hypertrophic cardiomyopathy. Last evaluated: 2025-11-12. Review status: criteria provided, single submitter. Criteria: Invitae Variant Classification Sherloc (09022015). Collection method: clinical testing. Allele origin: germline.
Comment: This sequence change replaces aspartic acid, which is acidic and polar, with asparagine, which is neutral and polar, at codon 587 of the MYBPC3 protein (p.Asp587Asn). The frequency data for this variant in the population databases is considered unreliable, as metrics indicate poor data quality at this position in the gnomAD database. This variant has not been reported in the literature in individuals affected with MYBPC3-related conditions. ClinVar contains an entry for this variant (Variation ID: 180917). An algorithm developed to predict the effect of missense changes on protein structure and function outputs the following: PolyPhen-2: "Benign". The asparagine amino acid residue is found in multiple mammalian species, which suggests that this missense change does not adversely affect protein function. In summary, the available evidence is currently insufficient to determine the role of this variant in disease. Therefore, it has been classified as a Variant of Uncertain Significance.

Color Diagnostics, LLC DBA Color Health
Classification: Likely benign for Cardiomyopathy. Last evaluated: 2025-02-03. Review status: criteria provided, single submitter. Criteria: ACMG Guidelines, 2015. Collection method: clinical testing. Allele origin: germline.

Ambry Genetics
Classification: Likely benign for Cardiovascular phenotype. Last evaluated: 2023-07-19. Review status: criteria provided, single submitter. Criteria: Ambry Variant Classification Scheme 2023. Collection method: clinical testing. Allele origin: germline.

All of Us Research Program, National Institutes of Health
Classification: Uncertain significance for Hypertrophic cardiomyopathy. Last evaluated: 2023-06-08. Review status: criteria provided, single submitter. Criteria: ACMG Guidelines, 2015. Collection method: clinical testing. Allele origin: germline. Inheritance: Autosomal dominant inheritance. Observed: 2 variant alleles, 2 heterozygotes.
Comment: This missense variant replaces aspartic acid with asparagine at codon 587 of the MYBPC3 protein. Computational prediction suggests that this variant may not impact protein structure and function (internally defined REVEL score threshold <= 0.5, PMID: 27666373). To our knowledge, functional studies have not been reported for this variant. This variant has not been reported in individuals affected with cardiovascular disorders in the literature. This variant has been identified in 1/212244 chromosomes in the general population by the Genome Aggregation Database (gnomAD). The available evidence is insufficient to determine the role of this variant in disease conclusively. Therefore, this variant is classified as a Variant of Uncertain Significance.

This study involves interpretation of variants in research participants for the purpose of population health screening. Participant phenotype was not available at the time of variant classification. Additional details can be found in publication PMID: 35346344, PMCID: PMC8962531

GeneDx
Classification: Likely benign. Last evaluated: 2014-07-23. Review status: criteria provided, single submitter. Criteria: GeneDx Variant Classification (06012015). Collection method: clinical testing. Allele origin: germline. Affected: yes.
Comment: This variant is considered likely benign or benign based on one or more of the following criteria: it is a conservative change, it occurs at a poorly conserved position in the protein, it is predicted to be benign by multiple in silico algorithms, and/or has population frequency not consistent with disease.